The following is an entry in ClinVar:

ClinVar aggregate classification (germline): Conflicting classifications of pathogenicity. Review status: criteria provided, conflicting classifications (1 of 4 stars). 12 submissions from 12 submitters: Uncertain significance (5); Likely benign (7). Last evaluated 2026-06-01.

Conditions:
Cardiovascular phenotype. Identifiers: MedGen CN230736.
ACTN2-related disorder. Also called: ACTN2-related disorders; ACTN2 related condition.
Cardiomyopathy (CMYO). Also called: Cardiomyopathies. Identifiers: Orphanet 167848, MedGen C0878544, MONDO:0004994, HP:0001638. Inheritance: Various modes of inheritance.
Dilated cardiomyopathy 1AA (CMD1AA). Also called: CARDIOMYOPATHY, DILATED, 1AA, WITH OR WITHOUT LEFT VENTRICULAR NONCOMPACTION; CARDIOMYOPATHY, FAMILIAL HYPERTROPHIC, 23, WITH OR WITHOUT LEFT VENTRICULAR NONCOMPACTION; Cardiomyopathy, dilated, 1AA, with or without LVNC. Identifiers: Orphanet 154, MedGen C2677338, MONDO:0012808, OMIM 612158.
Primary familial hypertrophic cardiomyopathy (HCM). Identifiers: Orphanet 99739, MedGen C0949658, MeSH D024741, MONDO:0024573. Inheritance: Various modes of inheritance.

Allele frequency attached by ClinVar (database versions not stated): gnomAD exomes 0.00010 and 0.00014; ExAC 0.00011; ESP Exome Variant Server 0.00015; TOPMed 0.00020; gnomAD 0.00025 and 0.00027.
gnomAD v4.1: 252 of 1,614,140 alleles (0.016%); highest among the groups gnomAD compares: Middle Eastern, 0.38%; 2 homozygotes.

Submissions (12):

CeGaT Center for Human Genetics Tuebingen
Classification: Likely benign. Last evaluated: 2026-06-01. Review status: criteria provided, single submitter. Criteria: CeGaT Center For Human Genetics Tuebingen Variant Classification Criteria Version 2. Collection method: clinical testing. Allele origin: germline. Affected: yes. Observed: 2 variant alleles.
Comment: ACTN2: BS1

Molecular Diagnostic Laboratory for Inherited Cardiovascular Disease, Montreal Heart Institute
Classification: Likely benign. Last evaluated: 2026-03-27. Review status: criteria provided, single submitter. Criteria: ACMG Guidelines, 2015. Collection method: clinical testing. Allele origin: germline. Affected: no.
Comment: BS1;BP4

Labcorp Genetics (formerly Invitae), Labcorp
Classification: Likely benign for Primary familial hypertrophic cardiomyopathy; Dilated cardiomyopathy 1AA. Last evaluated: 2026-01-24. Review status: criteria provided, single submitter. Criteria: Invitae Variant Classification Sherloc (09022015). Collection method: clinical testing. Allele origin: germline.

PreventionGenetics, part of Exact Sciences
Classification: Likely benign for ACTN2-related condition. Last evaluated: 2026-01-21. Review status: criteria provided, single submitter. Criteria: ACMG Guidelines, 2015. Collection method: clinical testing. Allele origin: germline.
Comment: This variant is classified as likely benign based on ACMG/AMP sequence variant interpretation guidelines (Richards et al. 2015 PMID: 25741868, with internal and published modifications).

Blueprint Genetics
Classification: Likely benign. Last evaluated: 2024-10-08. Review status: criteria provided, single submitter. Criteria: ACMG Guidelines, 2015. Collection method: clinical testing. Allele origin: germline.

Ambry Genetics
Classification: Likely benign for Cardiovascular phenotype. Last evaluated: 2024-06-11. Review status: criteria provided, single submitter. Criteria: Ambry Variant Classification Scheme 2023. Collection method: clinical testing. Allele origin: germline.

CHEO Genetics Diagnostic Laboratory, Children's Hospital of Eastern Ontario
Classification: Uncertain significance for Cardiomyopathy. Last evaluated: 2023-06-08. Review status: criteria provided, single submitter. Criteria: ACMG Guidelines, 2015. Collection method: clinical testing. Allele origin: germline.

GeneDx
Classification: Likely benign. Last evaluated: 2020-10-26. Review status: criteria provided, single submitter. Criteria: GeneDx Variant Classification Process June 2021. Collection method: clinical testing. Allele origin: germline. Affected: yes.
Comment: This variant is associated with the following publications: (PMID: 29247119, 23861362, 24503780, 31994743)

Fulgent Genetics
Classification: Uncertain significance for Dilated cardiomyopathy 1AA. Last evaluated: 2017-05-23. Review status: criteria provided, single submitter. Criteria: ACMG Guidelines, 2015. Collection method: clinical testing. Allele origin: unknown.

Eurofins Ntd Llc (ga)
Classification: Uncertain significance. Last evaluated: 2014-12-16. Review status: criteria provided, single submitter. Criteria: EGL Classification Definitions 2015. Collection method: clinical testing. Allele origin: germline. Observed: 1 variant allele, 1 heterozygote.

Laboratory for Molecular Medicine, Mass General Brigham Personalized Medicine
Classification: Uncertain significance. Last evaluated: 2014-02-11. Review status: criteria provided, single submitter. Criteria: LMM Criteria. Collection method: clinical testing. Allele origin: germline. Observed: 5 variant alleles.
Comment: The Thr412Met variant in ACTN2 has now been identified by our laboratory in four individuals, two with DCM and two with HCM, one of whom carried a pathogenic va riant in another gene. In addition, this variant has been identified in 1/8600 E uropean American chromosomes and in 1/4406 African American chromosomes by the N HLBI Exome Sequencing Project (dbSNP rs1395156 59) and in 1/1740 European chromosomes by the ClinSeq study (Ng 2013). Threonine (Thr) at position 412 is conserved in mammals, but not in evolutionarily distan t species and 2 fish species carry a methionine (Met) at this position, raising the possibility that this change may be tolerated. Computational prediction tool s also suggest this variant may not impact the protein, though this information is not predictive enough to rule out pathogenicity. Additional information is ne eded to fully assess the clinical significance of this variant.

Biesecker Lab/Clinical Genomics Section, National Institutes of Health
Classification: Uncertain significance. Last evaluated: 2013-06-24. Review status: criteria provided, single submitter. Criteria: Ng et al. (Circ Cardiovasc Genet. 2013). Collection method: research. Allele origin: unknown. Observed: 1 variant allele. Study: ClinSeq.
Comment: The study set was not selected for affection status in relation to any cancer. Pathogenicity categories were based on literature curation. See Pubmed ID:23861362 for details.

Medical sequencing

Literature cited by the submitters: PubMed 23861362 (cited by Ambry Genetics and Laboratory for Molecular Medicine, Mass General Brigham Personalized Medicine); PubMed 24503780 (cited by Ambry Genetics); PubMed 29247119 (cited by Ambry Genetics).

NM_001103.4(ACTN2):c.1235C>T (p.Thr412Met)

Gene: ACTN2 (actinin alpha 2; plus strand). Cytogenetic location: 1q43.
Variant type: single nucleotide variant.
Coding change: c.1235C>T on transcript NM_001103.4 (MANE Select); coding-DNA position 1235, C replaced by T.
Protein change: p.Thr412Met; replaces threonine 412 with methionine.
Molecular consequence: missense variant.
Genome position (GRCh38, 1-based): chr1:236,743,023, C>T. VCF-style: chr1-236743023-C-T. GRCh37 (hg19) VCF-style: chr1-236906323-C-T.
Other names: p.T412M:ACG>ATG; c.1235C>T, p.Thr412Met (NM_001278343.2); c.611C>T, p.Thr204Met (NM_001278344.2); short protein forms T412M, T204M.
Identifiers: ClinVar variation 43897 (VCV000043897.62), dbSNP rs139515659, ClinGen allele CA133114.